The following is an entry in ClinVar:

NM_000552.5(VWF):c.4820T>A (p.Val1607Asp)

Gene: VWF (von Willebrand factor; minus strand). Cytogenetic location: 12p13.31.
Variant type: single nucleotide variant.
Coding change: c.4820T>A on transcript NM_000552.5 (MANE Select); coding-DNA position 4820, T replaced by A.
Protein change: p.Val1607Asp; replaces valine 1607 with aspartic acid.
Molecular consequence: missense variant.
Genome position (GRCh38, 1-based): chr12:6,018,598, A>T on the plus strand (T>A on the coding strand, the complement: VWF is on the minus strand). VCF-style: chr12-6018598-A-T. GRCh37 (hg19) VCF-style: chr12-6127764-A-T.
Other names: c.4820T>A (NM_000552.4); short protein forms V1607D.
Identifiers: ClinVar variation 286 (VCV000000286.3), dbSNP rs61750579, ClinGen allele CA114119.

ClinVar aggregate classification (germline): Likely pathogenic. Review status: criteria provided, single submitter (1 of 4 stars). 4 submissions from 4 submitters: Likely pathogenic (1). 3 of the submissions do not count toward it. Last evaluated 2023-09-13.

Conditions:
von Willebrand disease type 2 (VWD2). Also called: VWD, TYPE 2; VON WILLEBRAND DISEASE, TYPE II; VON WILLEBRAND DISEASE, TYPE 2A/IIE; VON WILLEBRAND DISEASE, TYPE 2CB. Identifiers: Orphanet 166081, Orphanet 903, MedGen C1264040, MONDO:0013304, OMIM 613554.
Von Willebrand disease type 2A. Identifiers: Orphanet 166084, MedGen C1282968, MONDO:0015628. Inheritance: Autosomal recessive or autosomal dominant.

Submissions (4):

Quest Diagnostics Nichols Institute San Juan Capistrano
Classification: Likely pathogenic. Last evaluated: 2023-09-13. Review status: criteria provided, single submitter. Criteria: Quest Diagnostics criteria. Collection method: clinical testing. Allele origin: unknown.
Comment: In the published literature, this variant has been reported in individuals with type 2A von Willebrand disease (VWD) (PMIDs: 2786201 (1989), 8456431 (1993), 22431572 (2012)). Experimental studies show this variant severely impairs VWF function (PMIDs: 1537829 (1992), 16322474 (2006), 22431572 (2012)). This variant has not been reported in large, multi-ethnic general populations (Genome Aggregation Database). Analysis of this variant using bioinformatics tools for the prediction of the effect of amino acid changes on protein structure and function yielded predictions that this variant is damaging. Based on the available information, this variant is classified as likely pathogenic.

Angelo Bianchi Bonomi Hemophilia and Thrombosis Center, Fondazione IRCCS Ca Granda Ospedale Maggiore Policlinico
Classification: Pathogenic for von Willebrand disease type 2. Last evaluated: 2022-04-26. Review status: no assertion criteria provided. Collection method: clinical testing. Allele origin: germline. Affected: yes. Not counted in ClinVar's aggregate classification.

OMIM
Classification: Pathogenic for VON WILLEBRAND DISEASE, TYPE 2A. Last evaluated: 2010-05-01. Review status: no assertion criteria provided. Collection method: literature only. Allele origin: germline. Not counted in ClinVar's aggregate classification.

Academic Unit of Haematology, University of Sheffield
No classification provided. Review status: no classification provided. Collection method: not provided. Allele origin: not provided. Not counted in ClinVar's aggregate classification.

Literature cited by the submitters: PubMed 22431572 (cited by Quest Diagnostics Nichols Institute San Juan Capistrano); PubMed 20409624 (cited by Quest Diagnostics Nichols Institute San Juan Capistrano and OMIM); PubMed 2786201 (cited by Quest Diagnostics Nichols Institute San Juan Capistrano); PubMed 16322474 (cited by Quest Diagnostics Nichols Institute San Juan Capistrano); PubMed 8456431 (cited by Quest Diagnostics Nichols Institute San Juan Capistrano and OMIM); PubMed 1537829 (cited by Quest Diagnostics Nichols Institute San Juan Capistrano).